The following is an entry in ClinVar:

ClinVar aggregate classification (germline): Pathogenic. Review status: reviewed by expert panel (3 of 4 stars). 2 submissions from 2 submitters: Pathogenic (1). 1 of the submissions does not count toward it. Last evaluated 2024-03-26.

Conditions:
Hereditary thrombocytopenia and hematological cancer predisposition syndrome associated with RUNX1. Also called: PLATELET DISORDER, ASPIRIN-LIKE; RUNX1 Familial Platelet Disorder with Associated Myeloid Malignancies; Familial Platelet Disorder with Propensity to Acute Myelogenous Leukemia; Familial thrombocytopenia with propensity to acute myelogenous leukemia. Identifiers: Orphanet 71290, MedGen C1832388, MeSH C563324, MONDO:0100083, OMIM 601399.
Hereditary thrombocytopenia and hematologic cancer predisposition syndrome. Identifiers: Orphanet 71290, MedGen CN281654, MONDO:0011071.

Submissions (2):

ClinGen Myeloid Malignancy Variant Curation Expert Panel
Classification: Pathogenic for Hereditary thrombocytopenia and hematologic cancer predisposition syndrome. Last evaluated: 2024-03-26. Review status: reviewed by expert panel. Criteria: ClinGen MyeloMalig ACMG Specifications v2. Collection method: curation. Allele origin: germline. Inheritance: Autosomal dominant inheritance.
Comment: In summary, this variant meets criteria to be classified as pathogenic. ACMG/AMP criteria applied, as specified by the Myeloid Malignancy Variant Curation Expert Panel for RUNX1: PVS1, PM5_supp, PM2_supp

ISTH-SSC Genomics in Thrombosis and Hemostasis, KU Leuven, Center for Molecular and Vascular Biology
Classification: Likely pathogenic for Hereditary thrombocytopenia and hematological cancer predisposition syndrome associated with RUNX1. Review status: no assertion criteria provided. Collection method: research. Allele origin: unknown. Affected: yes. Not counted in ClinVar's aggregate classification.
Comment: Submitted to GoldVariant by Dr Marie-Christine Morel-Kopp from Northern Blood Research Centre, Sydney, Australia

NM_001754.5(RUNX1):c.268del (p.Val90fs)

Gene: RUNX1 (RUNX family transcription factor 1; minus strand). Cytogenetic location: 21q22.12.
Variant type: Deletion.
Coding change: c.268del on transcript NM_001754.5 (MANE Select); coding-DNA position 268, one base deleted (G; older notation c.268delG).
Protein change: p.Val90fs; shifts the reading frame from valine 90.
Molecular consequence: frameshift variant.
Genome position (GRCh38, 1-based): chr21:34,886,926, C deleted on the plus strand (G on the coding strand, the reverse complement: RUNX1 is on the minus strand); the first of 2 consecutive C bases (chr21:34,886,926-34,886,927); deleting either gives the same sequence. VCF-style (leftmost placement, unchanged base first): chr21-34886925-AC-A. GRCh37 (hg19) VCF-style: chr21-36259222-AC-A.
Other names: NM_001754.5(RUNX1):c.268del; p.Val90fs; c.187del, p.Val63fs (NM_001001890.3, NM_001122607.2); short protein forms V63fs, V90fs.
Identifiers: ClinVar variation 1695383 (VCV001695383.2), dbSNP rs2146409966, ClinGen allele CA2580098639.